The following is an entry in ClinVar:

NM_177438.3(DICER1):c.5093C>G (p.Thr1698Ser)

Gene: DICER1 (dicer 1, ribonuclease III; minus strand). Cytogenetic location: 14q32.13.
Variant type: single nucleotide variant.
Coding change: c.5093C>G on transcript NM_177438.3 (MANE Select); coding-DNA position 5093, C replaced by G.
Protein change: p.Thr1698Ser; replaces threonine 1698 with serine.
Molecular consequence: missense variant. On other transcripts: non-coding transcript variant (6).
Genome position (GRCh38, 1-based): chr14:95,095,827, G>C on the plus strand (C>G on the coding strand, the complement: DICER1 is on the minus strand). VCF-style: chr14-95095827-G-C. GRCh37 (hg19) VCF-style: chr14-95562164-G-C.
Other names: c.5093C>G, p.Thr1698Ser (NM_001195573.1, NM_001271282.3, NM_001291628.2 and 12 more transcripts); c.4811C>G, p.Thr1604Ser (NM_001395686.1); c.4688C>G, p.Thr1563Ser (NM_001395687.1, NM_001395688.1, NM_001395689.1 and 2 more transcripts); c.4526C>G, p.Thr1509Ser (NM_001395691.1); c.3410C>G, p.Thr1137Ser (NM_001395697.1); short protein forms T1509S, T1604S, T1698S, T1137S, T1563S.
Identifiers: ClinVar variation 3720209 (VCV003720209.2).

ClinVar aggregate classification (germline): Uncertain significance (1 of 4 stars; one submission).

Conditions:
DICER1-related tumor predisposition. Also called: DICER1 syndrome; DICER1-related pleuropulmonary blastoma cancer predisposition syndrome. Identifiers: Orphanet 284343, MedGen C3839822, MONDO:0100216.

Submission:

Labcorp Genetics (formerly Invitae), Labcorp
Classification: Uncertain significance for DICER1-related tumor predisposition. Last evaluated: 2024-11-13. Review status: criteria provided, single submitter. Criteria: Invitae Variant Classification Sherloc (09022015). Collection method: clinical testing. Allele origin: germline.
Comment: This sequence change replaces threonine, which is neutral and polar, with serine, which is neutral and polar, at codon 1698 of the DICER1 protein (p.Thr1698Ser). This variant is not present in population databases (gnomAD no frequency). This variant has not been reported in the literature in individuals affected with DICER1-related conditions. Invitae Evidence Modeling of protein sequence and biophysical properties (such as structural, functional, and spatial information, amino acid conservation, physicochemical variation, residue mobility, and thermodynamic stability) indicates that this missense variant is not expected to disrupt DICER1 protein function with a negative predictive value of 95%. In summary, the available evidence is currently insufficient to determine the role of this variant in disease. Therefore, it has been classified as a Variant of Uncertain Significance.